The following is an entry in ClinVar:

NM_001353921.2(ARHGEF9):c.695G>A (p.Arg232His)

Gene: ARHGEF9 (Cdc42 guanine nucleotide exchange factor 9; minus strand). Cytogenetic location: Xq11.1.
Variant type: single nucleotide variant.
Coding change: c.695G>A on transcript NM_001353921.2 (MANE Select); coding-DNA position 695, G replaced by A.
Protein change: p.Arg232His; replaces arginine 232 with histidine.
Molecular consequence: missense variant.
Genome position (GRCh38, 1-based): chrX:63,678,460, C>T on the plus strand (G>A on the coding strand, the complement: ARHGEF9 is on the minus strand). VCF-style: chrX-63678460-C-T. GRCh37 (hg19) VCF-style: chrX-62898340-C-T.
Other names: c.515G>A, p.Arg172His (NM_001173479.2); c.368G>A, p.Arg123His (NM_001173480.2, NM_001369042.1); c.611G>A, p.Arg204His (NM_001330495.2, NM_001353927.2, NM_001369033.1 and 8 more transcripts); c.695G>A, p.Arg232His (NM_001353922.2); c.713G>A, p.Arg238His (NM_001353923.1); c.494G>A, p.Arg165His (NM_001353924.2, NM_001353926.2, NM_001369039.1 and 1 more transcripts); c.674G>A, p.Arg225His (NM_001353928.2, NM_001369030.1, NM_001369031.1 and 2 more transcripts); c.260G>A, p.Arg87His (NM_001369045.1); short protein forms R123H, R165H, R172H, R204H, R225H, R232H, R238H, R87H.
Identifiers: ClinVar variation 2412954 (VCV002412954.3), dbSNP rs2050409789, ClinGen allele CA413406499.

ClinVar aggregate classification (germline): Uncertain significance (1 of 4 stars; one submission).

Allele frequency attached by ClinVar (database versions not stated): TOPMed 0.00001.
gnomAD v4.1: 1 of 1,205,109 alleles (0.000083%); no homozygotes.

Submission:

GeneDx
Classification: Uncertain significance. Last evaluated: 2022-07-28. Review status: criteria provided, single submitter. Criteria: GeneDx Variant Classification Process June 2021. Collection method: clinical testing. Allele origin: germline. Affected: yes.
Comment: Not observed at significant frequency in large population cohorts (gnomAD); In silico analysis supports that this missense variant has a deleterious effect on protein structure/function; Has not been previously published as pathogenic or benign to our knowledge